The following is an entry in ClinVar:

NM_002439.5(MSH3):c.1748C>T (p.Pro583Leu)

Gene: MSH3 (mutS homolog 3; plus strand). Cytogenetic location: 5q14.1.
Variant type: single nucleotide variant.
Coding change: c.1748C>T on transcript NM_002439.5 (MANE Select); coding-DNA position 1748, C replaced by T.
Protein change: p.Pro583Leu; replaces proline 583 with leucine.
Molecular consequence: missense variant.
Genome position (GRCh38, 1-based): chr5:80,744,600, C>T. VCF-style: chr5-80744600-C-T. GRCh37 (hg19) VCF-style: chr5-80040419-C-T.
Other names: short protein forms P583L.
Identifiers: ClinVar variation 3375540 (VCV003375540.1).

ClinVar aggregate classification (germline): Uncertain significance (1 of 4 stars; one submission).

Submission:

GeneDx
Classification: Uncertain significance. Last evaluated: 2024-05-06. Review status: criteria provided, single submitter. Criteria: GeneDx Variant Classification Process June 2021. Collection method: clinical testing. Allele origin: germline. Affected: yes.
Comment: Not observed at significant frequency in large population cohorts (gnomAD); In silico analysis supports that this missense variant has a deleterious effect on protein structure/function; Has not been previously published as pathogenic or benign to our knowledge